The following is an entry in ClinVar:

ClinVar aggregate classification (germline): Uncertain significance (1 of 4 stars; one submission).

Submission:

Labcorp Genetics (formerly Invitae), Labcorp
Classification: Uncertain significance. Last evaluated: 2023-02-04. Review status: criteria provided, single submitter. Criteria: Invitae Variant Classification Sherloc (09022015). Collection method: clinical testing. Allele origin: germline.
Comment: This variant is a gross deletion of the genomic region encompassing exon(s) 9 of the HNF1B gene, which includes the termination codon. This deletion extends beyond the assayed region for this gene and therefore may encompass additional genes. While this deletion is not anticipated to lead to nonsense mediated decay, it is expected to alter mRNA translation or result in a truncated protein product. This variant has not been reported in the literature in individuals affected with HNF1B-related conditions. In summary, the available evidence is currently insufficient to determine the role of this variant in disease. Therefore, it has been classified as a Variant of Uncertain Significance.

NC_000017.10:g.(?_36047375)_(36047415_?)del

Gene: HNF1B (HNF1 homeobox B; minus strand). Cytogenetic location: 17q12.
Variant type: Deletion.
Identifiers: ClinVar variation 2423121 (VCV002423121.4).